The following is an entry in ClinVar:

ClinVar aggregate classification (germline): Benign/Likely benign. Review status: criteria provided, multiple submitters, no conflicts (2 of 4 stars). 3 submissions from 3 submitters: Benign (2); Likely benign (1). Last evaluated 2026-02-02.

Allele frequency attached by ClinVar (database versions not stated): gnomAD exomes 0.01407 and 0.01944; 1000 Genomes Project 0.00539; TOPMed 0.01387; gnomAD 0.01407 and 0.01438; ESP Exome Variant Server 0.01484; 1000 Genomes Project 30x 0.00562; ExAC 0.01476.
gnomAD v4.1: 30,397 of 1,613,866 alleles (1.9%); highest among the groups gnomAD compares: Non-Finnish European, 2.3%; 337 homozygotes.

Submissions (3):

Labcorp Genetics (formerly Invitae), Labcorp
Classification: Benign. Last evaluated: 2026-02-02. Review status: criteria provided, single submitter. Criteria: Invitae Variant Classification Sherloc (09022015). Collection method: clinical testing. Allele origin: germline.

Mayo Clinic Laboratories, Mayo Clinic
Classification: Benign. Last evaluated: 2023-12-06. Review status: criteria provided, single submitter. Criteria: ACMG Guidelines, 2015. Collection method: clinical testing. Allele origin: germline. Observed: 39 variant alleles.
Comment: BS1, BS2, BP4, PM1

Eurofins Ntd Llc (ga)
Classification: Likely benign. Last evaluated: 2016-05-03. Review status: criteria provided, single submitter. Criteria: EGL Classification Definitions 2015. Collection method: clinical testing. Allele origin: germline. Observed: 1 variant allele, 1 heterozygote.

Literature cited by the submitters: PubMed 16134166 (cited by Mayo Clinic Laboratories, Mayo Clinic and Eurofins Ntd Llc (ga)); PubMed 22735388 (cited by Mayo Clinic Laboratories, Mayo Clinic).

NM_001061.7(TBXAS1):c.1349C>A (p.Thr450Asn)

Gene: TBXAS1 (thromboxane A synthase 1; plus strand). Cytogenetic location: 7q34.
Variant type: single nucleotide variant.
Coding change: c.1349C>A on transcript NM_001061.7 (MANE Select); coding-DNA position 1349, C replaced by A.
Protein change: p.Thr450Asn; replaces threonine 450 with asparagine.
Molecular consequence: missense variant.
Genome position (GRCh38, 1-based): chr7:140,015,845, C>A. VCF-style: chr7-140015845-C-A. GRCh37 (hg19) VCF-style: chr7-139715645-C-A.
Other names: p.Thr496Asn; c.1349C>A, p.Thr450Asn (NM_001130966.5, NM_030984.6); c.1487C>A, p.Thr496Asn (NM_001166253.4); c.1148C>A, p.Thr383Asn (NM_001166254.4); c.1292C>A, p.Thr431Asn (NM_001314028.4); c.1166C>A, p.Thr389Asn (NM_001366537.3); c.1487C>A (NM_001166253.3); short protein forms T383N, T450N, T496N, T389N, T431N.
Identifiers: ClinVar variation 287493 (VCV000287493.13), dbSNP rs5763, ClinGen allele CA4511997.